The following is an entry in ClinVar:

NM_001987.5(ETV6):c.1254-8T>G

Gene: ETV6 (ETS variant transcription factor 6; plus strand). Cytogenetic location: 12p13.2.
Variant type: single nucleotide variant.
Coding change: c.1254-8T>G on transcript NM_001987.5 (MANE Select); 8 bases into the intron before coding-DNA position 1254, T replaced by G.
Molecular consequence: intron variant.
Genome position (GRCh38, 1-based): chr12:11,890,933, T>G. VCF-style: chr12-11890933-T-G. GRCh37 (hg19) VCF-style: chr12-12043867-T-G.
Other names: c.1227-8T>G (NM_001413914.1); c.1010-8T>G (NM_001413917.1); c.1251-8T>G (NM_001413913.1); c.990-8T>G (NM_001413915.1).
Identifiers: ClinVar variation 2753214 (VCV002753214.3), dbSNP rs2498210867, ClinGen allele CA2697559117.

ClinVar aggregate classification (germline): Uncertain significance (1 of 4 stars; one submission).

Submission:

Labcorp Genetics (formerly Invitae), Labcorp
Classification: Uncertain significance. Last evaluated: 2023-08-16. Review status: criteria provided, single submitter. Criteria: Invitae Variant Classification Sherloc (09022015). Collection method: clinical testing. Allele origin: germline.
Comment: This sequence change falls in intron 7 of the ETV6 gene. It does not directly change the encoded amino acid sequence of the ETV6 protein. This variant is not present in population databases (gnomAD no frequency). This variant has not been reported in the literature in individuals affected with ETV6-related conditions. Algorithms developed to predict the effect of sequence changes on RNA splicing suggest that this variant may create or strengthen a splice site. In summary, the available evidence is currently insufficient to determine the role of this variant in disease. Therefore, it has been classified as a Variant of Uncertain Significance.